The following is an entry in ClinVar:

ClinVar aggregate classification (germline): Uncertain significance (0 of 4 stars; one submission).

Conditions:
BBS10-related disorder. Also called: BBS10-related condition.

Submission:

PreventionGenetics, part of Exact Sciences
Classification: Uncertain significance for BBS10-related condition. Last evaluated: 2024-02-14. Review status: no assertion criteria provided. Collection method: clinical testing. Allele origin: germline.
Comment: The BBS10 c.442T>G variant is predicted to result in the amino acid substitution p.Tyr148Asp. To our knowledge, this variant has not been reported in the literature or in a large population database, indicating this variant is rare. At this time, the clinical significance of this variant is uncertain due to the absence of conclusive functional and genetic evidence.

NM_024685.4(BBS10):c.442T>G (p.Tyr148Asp)

Gene: BBS10 (Bardet-Biedl syndrome 10; minus strand). Cytogenetic location: 12q21.2.
Variant type: single nucleotide variant.
Coding change: c.442T>G on transcript NM_024685.4 (MANE Select); coding-DNA position 442, T replaced by G.
Protein change: p.Tyr148Asp; replaces tyrosine 148 with aspartic acid.
Molecular consequence: missense variant.
Genome position (GRCh38, 1-based): chr12:76,347,543, A>C on the plus strand (T>G on the coding strand, the complement: BBS10 is on the minus strand). VCF-style: chr12-76347543-A-C. GRCh37 (hg19) VCF-style: chr12-76741323-A-C.
Other names: short protein forms Y148D.
Identifiers: ClinVar variation 3349584 (VCV003349584.1).